The following is an entry in ClinVar:

NM_182931.3(KMT2E):c.167del (p.Tyr56fs)

Gene: KMT2E (lysine methyltransferase 2E (inactive); plus strand). Cytogenetic location: 7q22.3.
Variant type: Deletion.
Coding change: c.167del on transcript NM_182931.3 (MANE Select); coding-DNA position 167, one base deleted (A; older notation c.167delA).
Protein change: p.Tyr56fs; shifts the reading frame from tyrosine 56.
Molecular consequence: frameshift variant.
Genome position (GRCh38, 1-based): chr7:105,062,259, A deleted. VCF-style (leftmost placement, unchanged base first): chr7-105062258-TA-T. GRCh37 (hg19) VCF-style: chr7-104702705-TA-T.
Other names: c.167del, p.Tyr56fs (NM_018682.4); short protein forms Y56fs.
Identifiers: ClinVar variation 805896 (VCV000805896.2), dbSNP rs1584745301, ClinGen allele CA913184779.
Genomic context (GRCh38, chr7:105,062,258, plus strand): 5'-GAGAAATCCAACAGTTATCCCCACCAGTTATATACCAGCAGCTCACATCATTCACACAGT[TA>T]CATTGGTTTGCCCTATGCGGTAAGTGTTAAACACTTCTTTGAAAAAACATTTTTAAATTT-3'

ClinVar aggregate classification (germline): Uncertain significance (1 of 4 stars; one submission).

Submission:

Broad Center for Mendelian Genomics, Broad Institute of MIT and Harvard
Classification: Uncertain significance. Last evaluated: 2019-02-07. Review status: criteria provided, single submitter. Criteria: ACMG Guidelines, 2015. Collection method: research. Allele origin: de novo. Inheritance: Autosomal dominant inheritance. Affected: yes.
Comment: The variant is assumed de novo, but maternity and paternity are not confirmed. The p.Tyr56Serfs*34 variant in KMT2E has not been previously reported in individuals with intellectual disabilities or autism and was absent from large population studies. This variant is predicted to cause a frameshift, which alters the proteinâ€™s amino acid sequence beginning at position 56 and leads to a premature termination codon 34 amino acids downstream. This alteration is then predicted to lead to a truncated or absent protein. It is of note, that loss of function of the KMT2E gene in autosomal dominant disease has not yet been established based on the criteria laid out in Tayoun, 2018 (PMID: 30192042). In summary, while there is some suspicion for a pathogenic role, the clinical significance of this variant is uncertain.